The following is an entry in ClinVar:

ClinVar aggregate classification (germline): Likely benign. Review status: criteria provided, multiple submitters, no conflicts (2 of 4 stars). 2 submissions from 2 submitters: Likely benign (2). Last evaluated 2026-06-28.

Conditions:
PLEC-related disorder. Also called: PLEC-related condition; PLEC-related disorders.

gnomAD v4.1: 157 of 1,605,454 alleles (0.0098%); highest among the groups gnomAD compares: South Asian, 0.15%; 4 homozygotes.

Submissions (2):

PreventionGenetics, part of Exact Sciences
Classification: Likely benign for PLEC-related condition. Last evaluated: 2026-06-28. Review status: criteria provided, single submitter. Criteria: ACMG Guidelines, 2015. Collection method: clinical testing. Allele origin: germline.
Comment: This variant is classified as likely benign based on ACMG/AMP sequence variant interpretation guidelines (Richards et al. 2015 PMID: 25741868, with internal and published modifications).

Blueprint Genetics
Classification: Likely benign. Last evaluated: 2024-07-02. Review status: criteria provided, single submitter. Criteria: ACMG Guidelines, 2015. Collection method: clinical testing. Allele origin: germline.

NM_201378.4(PLEC):c.71-11766C>T

Gene: PLEC (plectin; minus strand). Cytogenetic location: 8q24.3.
Variant type: single nucleotide variant.
Coding change: c.71-11766C>T on transcript NM_201378.4 (MANE Plus Clinical); 11766 bases into the intron before coding-DNA position 71, C replaced by T.
Molecular consequence: intron variant. On other transcripts: synonymous variant (1).
Genome position (GRCh38, 1-based): chr8:143,950,458, G>A on the plus strand (C>T on the coding strand, the complement: PLEC is on the minus strand). VCF-style: chr8-143950458-G-A. GRCh37 (hg19) VCF-style: chr8-145024626-G-A.
Other names: c.249C>T, p.Arg83= (NM_201380.4); c.194-11766C>T (NM_001410941.1, NM_000445.5); c.46+3268C>T (NM_201379.3).
Identifiers: ClinVar variation 4902046 (VCV004902046.2).